The following is an entry in ClinVar:

NM_001243133.2(NLRP3):c.195G>A (p.Ala65=)

Gene: NLRP3 (NLR family pyrin domain containing 3; plus strand). Cytogenetic location: 1q44.
Variant type: single nucleotide variant.
Coding change: c.195G>A on transcript NM_001243133.2 (MANE Select); coding-DNA position 195, G replaced by A.
Protein change: p.Ala65=; no amino-acid change (alanine 65 retained).
Molecular consequence: synonymous variant.
Genome position (GRCh38, 1-based): chr1:247,418,995, G>A. VCF-style: chr1-247418995-G-A. GRCh37 (hg19) VCF-style: chr1-247582297-G-A.
Other names: c.195G>A, p.Ala65= (NM_001079821.3, NM_001127461.3, NM_001127462.3 and 1 more transcripts); c.201G>A, p.Ala67= (NM_004895.5).
Identifiers: ClinVar variation 386615 (VCV000386615.18), dbSNP rs201205620, ClinGen allele CA1494760.

ClinVar aggregate classification (germline): Likely benign. Review status: criteria provided, multiple submitters, no conflicts (2 of 4 stars). 5 submissions from 5 submitters: Likely benign (5). Last evaluated 2025-05-11.

Conditions:
Hearing loss, autosomal dominant 34, with or without inflammation. Also called: DEAFNESS, AUTOSOMAL DOMINANT 34, WITH OR WITHOUT INFLAMMATION. Identifiers: MedGen C4521680, MONDO:0033261, OMIM 617772.
Familial cold autoinflammatory syndrome 1 (FCAS1). Also called: CRYOPYRIN-ASSOCIATED PERIODIC SYNDROME 1; Familial cold inflammatory syndrome 1. Identifiers: Orphanet 47045, MedGen C4551895, MONDO:0007349, OMIM 120100.
Keratitis fugax hereditaria. Also called: KERATOENDOTHELIITIS FUGAX HEREDITARIA. Identifiers: Orphanet 647815, MedGen C1835697, MONDO:0007849, OMIM 148200.
Familial amyloid nephropathy with urticaria AND deafness (MWS). Also called: MUCKLE-WELLS SYNDROME; Urticaria, deafness and amyloidosis; UDA SYNDROME; URTICARIA-DEAFNESS-AMYLOIDOSIS SYNDROME; CRYOPYRIN-ASSOCIATED PERIODIC SYNDROME 2. Identifiers: Orphanet 575, MedGen C0268390, MONDO:0008633, OMIM 191900.
Chronic infantile neurological, cutaneous and articular syndrome (CINCA). Also called: Prieur Griscelli syndrome; CINCA syndrome; CHRONIC NEUROLOGIC CUTANEOUS AND ARTICULAR SYNDROME; CRYOPYRIN-ASSOCIATED PERIODIC SYNDROME 3. Identifiers: Orphanet 1451, MedGen C0409818, MONDO:0011776, OMIM 607115.
Cryopyrin associated periodic syndrome (CAPS). Identifiers: Orphanet 208650, MedGen C2316212, MONDO:0016168.

Allele frequency attached by ClinVar (database versions not stated): ExAC 0.00003; TOPMed 0.00003; ESP Exome Variant Server 0.00008; 1000 Genomes Project 30x 0.00016; 1000 Genomes Project 0.00020.
gnomAD v4.1: 37 of 1,614,042 alleles (0.0023%); highest among the groups gnomAD compares: Non-Finnish European, 0.0027%; no homozygotes.

Submissions (5):

Labcorp Genetics (formerly Invitae), Labcorp
Classification: Likely benign for Cryopyrin associated periodic syndrome. Last evaluated: 2025-05-11. Review status: criteria provided, single submitter. Criteria: Invitae Variant Classification Sherloc (09022015). Collection method: clinical testing. Allele origin: germline.

Blueprint Genetics
Classification: Likely benign. Last evaluated: 2022-08-09. Review status: criteria provided, single submitter. Criteria: ACMG Guidelines, 2015. Collection method: clinical testing. Allele origin: germline.

Fulgent Genetics
Classification: Likely benign for Familial cold autoinflammatory syndrome 1; Keratitis fugax hereditaria; Familial amyloid nephropathy with urticaria AND deafness; Chronic infantile neurological, cutaneous and articular syndrome; Hearing loss, autosomal dominant 34, with or without inflammation. Last evaluated: 2022-01-04. Review status: criteria provided, single submitter. Criteria: ACMG Guidelines, 2015. Collection method: clinical testing. Allele origin: unknown.

ARUP Laboratories, Molecular Genetics and Genomics, ARUP Laboratories
Classification: Likely benign. Last evaluated: 2018-09-04. Review status: criteria provided, single submitter. Criteria: ARUP Molecular Germline Variant Investigation Process. Collection method: clinical testing. Allele origin: germline.

GeneDx
Classification: Likely benign. Last evaluated: 2016-06-25. Review status: criteria provided, single submitter. Criteria: GeneDx Variant Classification (06012015). Collection method: clinical testing. Allele origin: germline. Affected: yes.
Comment: This variant is considered likely benign or benign based on one or more of the following criteria: it is a conservative change, it occurs at a poorly conserved position in the protein, it is predicted to be benign by multiple in silico algorithms, and/or has population frequency not consistent with disease.